The following is an entry in ClinVar:

NM_005271.5(GLUD1):c.436T>A (p.Cys146Ser)

Genes: GLUD1 (glutamate dehydrogenase 1; minus strand), LOC130004254 (ATAC-STARR-seq lymphoblastoid silent region 2576; plus strand). Cytogenetic location: 10q23.2.
Variant type: single nucleotide variant.
Coding change: c.436T>A on transcript NM_005271.5 (MANE Select); coding-DNA position 436, T replaced by A.
Protein change: p.Cys146Ser; replaces cysteine 146 with serine.
Molecular consequence: missense variant. On other transcripts: 5 prime UTR variant (3).
Genome position (GRCh38, 1-based): chr10:87,094,334, A>T on the plus strand (T>A on the coding strand, the complement: GLUD1 is on the minus strand). VCF-style: chr10-87094334-A-T. GRCh37 (hg19) VCF-style: chr10-88854091-A-T.
Other names: c.-293T>A (NM_001318904.2); c.-419T>A (NM_001318905.2); c.-126T>A (NM_001318906.2); short protein forms C146S.
Identifiers: ClinVar variation 5022444 (VCV005022444.1).

ClinVar aggregate classification (germline): Uncertain significance (1 of 4 stars; one submission).

Conditions:
Inborn genetic diseases. Identifiers: MedGen C0950123, MeSH D030342.

Submission:

Ambry Genetics
Classification: Uncertain significance for Inborn genetic diseases. Last evaluated: 2026-07-19. Review status: criteria provided, single submitter. Criteria: Ambry Variant Classification Scheme 2023. Collection method: clinical testing. Allele origin: germline.
Comment: The p.C146S variant (also known as c.436T>A), located in coding exon 1 of the GLUD1 gene, results from a T to A substitution at nucleotide position 436. The cysteine at codon 146 is replaced by serine, an amino acid with dissimilar properties. This amino acid position is conserved. In addition, this alteration is predicted to be deleterious by in silico analysis. Based on the available evidence, the clinical significance of this variant remains unclear.